The following is an entry in ClinVar:

ClinVar aggregate classification (germline): Benign. Review status: criteria provided, multiple submitters, no conflicts (2 of 4 stars). 7 submissions from 7 submitters: Benign (6). 1 of the submissions does not count toward it. Last evaluated 2026-02-04.

Conditions:
Familial dysautonomia. Also called: FD; HSAN III. Identifiers: Orphanet 1764, MedGen C0013364, MONDO:0009131, OMIM 223900. Disease mechanism: loss of function.

Allele frequency attached by ClinVar (database versions not stated): ESP Exome Variant Server 0.03621; gnomAD 0.05069 and 0.05255; gnomAD exomes 0.05485 and 0.07443; TOPMed 0.05485; 1000 Genomes Project 0.06550; 1000 Genomes Project 30x 0.06558; ExAC 0.06719.
gnomAD v4.1: 88,074 of 1,613,950 alleles (5.5%); highest among the groups gnomAD compares: Admixed American, 18%; 3,369 homozygotes.

Submissions (7):

Labcorp Genetics (formerly Invitae), Labcorp
Classification: Benign. Last evaluated: 2026-02-04. Review status: criteria provided, single submitter. Criteria: Invitae Variant Classification Sherloc (09022015). Collection method: clinical testing. Allele origin: germline.

Mayo Clinic Laboratories, Mayo Clinic
Classification: Benign. Last evaluated: 2021-04-25. Review status: criteria provided, single submitter. Criteria: ACMG Guidelines, 2015. Collection method: clinical testing. Allele origin: germline. Observed: 202 variant alleles.

Illumina Laboratory Services, Illumina
Classification: Benign for Familial dysautonomia. Last evaluated: 2018-01-13. Review status: criteria provided, single submitter. Criteria: ICSL Variant Classification Criteria 13 December 2019. Collection method: clinical testing. Allele origin: germline.
Comment: This variant was observed in the ICSL laboratory as part of a predisposition screen in an ostensibly healthy population. It had not been previously curated by ICSL or reported in the Human Gene Mutation Database (HGMD: prior to June 1st, 2018), and was therefore a candidate for classification through an automated scoring system. Utilizing variant allele frequency, disease prevalence and penetrance estimates, and inheritance mode, an automated score was calculated to assess if this variant is too frequent to cause the disease. Based on the score and internal cut-off values, a variant classified as benign is not then subjected to further curation. The score for this variant resulted in a classification of benign for this disease.

GeneDx
Classification: Benign. Last evaluated: 2014-05-13. Review status: criteria provided, single submitter. Criteria: GeneDx Variant Classification (06012015). Collection method: clinical testing. Allele origin: germline. Affected: yes.
Comment: This variant is considered likely benign or benign based on one or more of the following criteria: it is a conservative change, it occurs at a poorly conserved position in the protein, it is predicted to be benign by multiple in silico algorithms, and/or has population frequency not consistent with disease.

Breakthrough Genomics
Classification: Benign. Review status: criteria provided, single submitter. Criteria: ACMG Guidelines, 2015. Collection method: not provided. Allele origin: germline. Inheritance: Autosomal recessive inheritance. Affected: yes.

PreventionGenetics, part of Exact Sciences
Classification: Benign. Review status: criteria provided, single submitter. Criteria: ACMG Guidelines, 2015. Collection method: clinical testing. Allele origin: germline.

Natera, Inc.
Classification: Benign for Familial dysautonomia. Last evaluated: 2017-05-10. Review status: no assertion criteria provided. Collection method: clinical testing. Allele origin: germline. Not counted in ClinVar's aggregate classification.

NM_003640.5(ELP1):c.2490A>G (p.Ile830Met)

Gene: ELP1 (elongator acetyltransferase complex subunit 1; minus strand). Cytogenetic location: 9q31.3.
Variant type: single nucleotide variant.
Coding change: c.2490A>G on transcript NM_003640.5 (MANE Select); coding-DNA position 2490, A replaced by G.
Protein change: p.Ile830Met; replaces isoleucine 830 with methionine.
Molecular consequence: missense variant.
Genome position (GRCh38, 1-based): chr9:108,897,159, T>C on the plus strand (A>G on the coding strand, the complement: ELP1 is on the minus strand). VCF-style: chr9-108897159-T-C. GRCh37 (hg19) VCF-style: chr9-111659439-T-C.
Other names: p.I830M:ATA>ATG; c.2490A>G (LRG_251t1); c.2148A>G, p.Ile716Met (NM_001318360.2); c.1443A>G, p.Ile481Met (NM_001330749.2); short protein forms I830M, I481M, I716M.
Identifiers: ClinVar variation 137579 (VCV000137579.22), dbSNP rs2230794, ClinGen allele CA291229.